The following is an entry in ClinVar:

ClinVar aggregate classification (germline): Uncertain significance (1 of 4 stars; one submission).

gnomAD v4.1: 1 of 1,614,058 alleles (0.000062%); highest among the groups gnomAD compares: Non-Finnish European, 0.000085%; no homozygotes.

Submission:

Ambry Genetics
Classification: Uncertain significance. Last evaluated: 2024-11-26. Review status: criteria provided, single submitter. Criteria: Ambry Variant Classification Scheme 2023. Collection method: clinical testing. Allele origin: germline.
Comment: The p.I94M variant (also known as c.282A>G), located in coding exon 1 of the TET2 gene, results from an A to G substitution at nucleotide position 282. The isoleucine at codon 94 is replaced by methionine, an amino acid with highly similar properties. This amino acid position is conserved. In addition, this alteration is predicted to be tolerated by in silico analysis. Based on the available evidence, the clinical significance of this variant remains unclear.

NM_001127208.3(TET2):c.282A>G (p.Ile94Met)

Genes: TET2 (tet methylcytosine dioxygenase 2; plus strand), TET2-AS1 (TET2 antisense RNA 1; minus strand). Cytogenetic location: 4q24.
Variant type: single nucleotide variant.
Coding change: c.282A>G on transcript NM_001127208.3 (MANE Select); coding-DNA position 282, A replaced by G.
Protein change: p.Ile94Met; replaces isoleucine 94 with methionine.
Molecular consequence: missense variant.
Genome position (GRCh38, 1-based): chr4:105,234,224, A>G. VCF-style: chr4-105234224-A-G. GRCh37 (hg19) VCF-style: chr4-106155381-A-G.
Other names: c.282A>G, p.Ile94Met (NM_017628.4); short protein forms I94M.
Identifiers: ClinVar variation 3455334 (VCV003455334.1).